The following is an entry in ClinVar:

NM_000059.4(BRCA2):c.1917G>A (p.Leu639=)

Gene: BRCA2 (BRCA2 DNA repair associated; plus strand). Cytogenetic location: 13q13.1.
Variant type: single nucleotide variant.
Coding change: c.1917G>A on transcript NM_000059.4 (MANE Select); coding-DNA position 1917, G replaced by A.
Protein change: p.Leu639=; no amino-acid change (leucine 639 retained).
Molecular consequence: synonymous variant.
Genome position (GRCh38, 1-based): chr13:32,336,272, G>A. VCF-style: chr13-32336272-G-A. GRCh37 (hg19) VCF-style: chr13-32910409-G-A.
Identifiers: ClinVar variation 231533 (VCV000231533.26), dbSNP rs779226644, ClinGen allele CA6940564.
Genomic context (GRCh38, chr13:32,336,272, plus strand): 5'-GTGAATGTGATTGATGGTACTTTAATTTTGTCACTTTGTGTTTTTATGTTTAGGTTTATT[G>A]CATTCTTCTGTGAAAAGAAGCTGTTCACAGAATGATTCTGAAGAACCAACTTTGTCCTTA-3'
Protein context (NP_000050.3, residues 629-649): LTFANADSGL[Leu639=]HSSVKRSCSQ

ClinVar aggregate classification (germline): Likely benign. Review status: reviewed by expert panel (3 of 4 stars). 8 submissions from 8 submitters: Likely benign (1). 7 of the submissions do not count toward it. Last evaluated 2017-06-29.

Conditions:
Hereditary cancer-predisposing syndrome. Also called: Neoplastic Syndromes, Hereditary; Hereditary Cancer Syndrome; Tumor predisposition; Hereditary neoplastic syndrome. Identifiers: Orphanet 140162, MedGen C0027672, MeSH D009386, MONDO:0015356.
Hereditary breast ovarian cancer syndrome. Also called: Breast and ovarian cancer; BRCA1- and BRCA2-Associated Hereditary Breast and Ovarian Cancer; Hereditary breast and ovarian cancer syndrome; Hereditary breast and ovarian cancer syndrome (HBOC); Hereditary breast and/or ovarian cancer syndrome; Hereditary breast and ovarian cancer. Identifiers: Orphanet 145, MedGen C0677776, MeSH D061325, MONDO:0003582. Disease mechanism: loss of function.
Breast-ovarian cancer, familial, susceptibility to, 2 (BROVCA2). Also called: BRCA2 Hereditary Breast and Ovarian Cancer. Identifiers: Orphanet 145, MedGen C2675520, MONDO:0012933, OMIM 612555. Disease mechanism: loss of function.
Malignant tumor of breast. Also called: Cancer breast; Malignant breast neoplasm. Identifiers: MedGen C0006142, MONDO:0007254. Disease mechanism: loss of function.

Allele frequency attached by ClinVar (database versions not stated): gnomAD exomes 0.00001 and 0.00003; ExAC 0.00005.
gnomAD v4.1: 17 of 1,601,870 alleles (0.0011%); highest among the groups gnomAD compares: South Asian, 0.018%; no homozygotes.

Submissions (8):

Evidence-based Network for the Interpretation of Germline Mutant Alleles (ENIGMA)
Classification: Likely benign for Breast-ovarian cancer, familial, susceptibility to, 2. Last evaluated: 2017-06-29. Review status: reviewed by expert panel. Criteria: ENIGMA BRCA1/2 Classification Criteria (2017-06-29). Collection method: curation. Allele origin: germline.
Comment: Synonymous substitution variant, with low bioinformatic likelihood to result in a splicing aberration (Splicing prior probability 0.02).

Labcorp Genetics (formerly Invitae), Labcorp
Classification: Likely benign for Hereditary breast ovarian cancer syndrome. Last evaluated: 2026-01-19. Review status: criteria provided, single submitter. Criteria: Invitae Variant Classification Sherloc (09022015). Collection method: clinical testing. Allele origin: germline. Not counted in ClinVar's aggregate classification.

Center for Genomic Medicine, Rigshospitalet, Copenhagen University Hospital
Classification: Likely benign. Last evaluated: 2025-03-04. Review status: criteria provided, single submitter. Criteria: ACMG Guidelines, 2015. Collection method: clinical testing. Allele origin: germline. Not counted in ClinVar's aggregate classification.

Blueprint Genetics
Classification: Likely benign. Last evaluated: 2024-02-27. Review status: criteria provided, single submitter. Criteria: ACMG Guidelines, 2015. Collection method: clinical testing. Allele origin: germline. Not counted in ClinVar's aggregate classification.

GeneDx
Classification: Likely benign. Last evaluated: 2018-09-25. Review status: criteria provided, single submitter. Criteria: GeneDx Variant Classification Process June 2021. Collection method: clinical testing. Allele origin: germline. Affected: yes. Not counted in ClinVar's aggregate classification.

Color Diagnostics, LLC DBA Color Health
Classification: Likely benign for Hereditary cancer-predisposing syndrome. Last evaluated: 2017-02-21. Review status: criteria provided, single submitter. Criteria: ACMG Guidelines, 2015. Collection method: clinical testing. Allele origin: germline. Not counted in ClinVar's aggregate classification.

Ambry Genetics
Classification: Likely benign for Hereditary cancer-predisposing syndrome. Last evaluated: 2015-05-01. Review status: criteria provided, single submitter. Criteria: Ambry Variant Classification Scheme 2023. Collection method: clinical testing. Allele origin: germline. Not counted in ClinVar's aggregate classification.

Department of Pathology and Laboratory Medicine, Sinai Health System
Classification: Likely benign for Malignant tumor of breast. Review status: no assertion criteria provided. Collection method: clinical testing. Allele origin: unknown. Affected: yes. Study: The Canadian Open Genetics Repository (COGR). Not counted in ClinVar's aggregate classification.
Comment: The BRCA2 p.Leu639= variant was not identified in the literature nor was it identified in the LOVD 3.0 or UMD-LSDB databases. The variant was identified in dbSNP (rs779226644) as â€šÃ„Ãºwith likely benign alleleâ€šÃ„Ã¹ and ClinVar (classified as likely benign by ENIGMA expert panel (2017), Invitae, Ambry Genetics, and Color). The variant was identified in control databases in 7 of 235,736 chromosomes at a frequency of 0.00003 (Genome Aggregation Database Feb 27, 2017). The variant was observed in the following populations: Latino in 1 of 31,192 chromosomes (freq: 0.00003) and South Asian in 6 of 28,028 chromosomes (freq: 0.0002); it was not observed in the African, Other, European, Ashkenazi Jewish, East Asian or Finnish populations. The p.Leu639 variant is not expected to have clinical significance because it does not result in a change of amino acid. The variant occurs at a non-conserved nucleotide outside of the splicing consensus sequence and in silico or computational prediction software programs (SpliceSiteFinder, MaxEntScan, NNSPLICE, GeneSplicer) do not predict a difference in splicing. In summary, based on the above information, the clinical significance of this variant cannot be determined with certainty at this time although we would lean towards a more benign role for this variant. This variant is classified as likely benign.